The following is an entry in ClinVar:

ClinVar aggregate classification (germline): Likely pathogenic (1 of 4 stars; one submission).

Conditions:
ADNP-related multiple congenital anomalies - intellectual disability - autism spectrum disorder. Also called: Helsmoortel-Van der Aa Syndrome; ADNP-Related Helsmoortel-Van der Aa Syndrome. Identifiers: Orphanet 404448, MedGen C4014538, MONDO:0014379, OMIM 615873. Disease mechanism: loss of function.

Submission:

Institute of Human Genetics, Heidelberg University
Classification: Likely pathogenic for ADNP-related multiple congenital anomalies - intellectual disability - autism spectrum disorder. Last evaluated: 2025-09-10. Review status: criteria provided, single submitter. Criteria: ACMG Guidelines, 2015. Collection method: clinical testing. Allele origin: de novo. Affected: yes. Observed: 1 variant allele.
Comment: PS2_mod, PVS1_strong, PM2_supp

NM_001282531.3(ADNP):c.426_429del (p.Phe143fs)

Gene: ADNP (activity dependent neuroprotector homeobox; minus strand). Cytogenetic location: 20q13.13.
Variant type: Deletion.
Coding change: c.426_429del on transcript NM_001282531.3 (MANE Select); coding-DNA positions 426 to 429, 4 bases deleted (TTTC; older notation c.426_429delTTTC).
Protein change: p.Phe143fs; shifts the reading frame from phenylalanine 143.
Molecular consequence: frameshift variant. On other transcripts: 5 prime UTR variant (1).
Genome position (GRCh38, 1-based): chr20:50,894,285-50,894,288, GAAA deleted on the plus strand (TTTC on the coding strand, the reverse complement: ADNP is on the minus strand); deleting any 4 consecutive bases within chr20:50,894,285-50,894,289 gives the same sequence; the c. name uses the placement nearest the transcript's 3' end. VCF-style (leftmost placement, unchanged base first): chr20-50894284-TGAAA-T. GRCh37 (hg19) VCF-style: chr20-49510821-TGAAA-T.
Other names: c.426_429del, p.Phe143fs (NM_001282532.2, NM_001347511.2, NM_015339.5 and 1 more transcripts); c.642_645del, p.Phe215fs (NM_001439000.1); c.-259_-256del (NM_001439001.1); short protein forms F143fs, F215fs.
Identifiers: ClinVar variation 4294304 (VCV004294304.1).